The following is an entry in ClinVar:

ClinVar aggregate classification (germline): Likely pathogenic (1 of 4 stars; one submission).

Conditions:
Hereditary cancer-predisposing syndrome. Also called: Neoplastic Syndromes, Hereditary; Tumor predisposition; Hereditary Cancer Syndrome; Hereditary neoplastic syndrome. Identifiers: Orphanet 140162, MedGen C0027672, MeSH D009386, MONDO:0015356.

Submission:

Ambry Genetics
Classification: Likely pathogenic for Hereditary cancer-predisposing syndrome. Last evaluated: 2026-02-13. Review status: criteria provided, single submitter. Criteria: Ambry Variant Classification Scheme 2023. Collection method: clinical testing. Allele origin: germline.
Comment: The c.3306dupC variant, located in coding exon 12 of the PALB2 gene, results from a duplication of C at nucleotide position 3306, causing a translational frameshift with a predicted alternate stop codon (p.V1103Rfs*20). This variant occurs at the 3' terminus of the gene, is not expected to trigger nonsense-mediated mRNA decay, and impacts the last 7.1% of the protein. However, premature stop codons are typically deleterious in nature and a significant portion of the protein is affected (Ambry internal data). This variant is considered to be rare based on population cohorts in the Genome Aggregation Database (gnomAD). Based on the majority of available evidence to date, this variant is likely to be pathogenic.

NM_024675.4(PALB2):c.3306dup (p.Val1103fs)

Gene: PALB2 (partner and localizer of BRCA2; minus strand). Cytogenetic location: 16p12.2.
Variant type: Duplication.
Coding change: c.3306dup on transcript NM_024675.4 (MANE Select); coding-DNA position 3306, one base duplicated (C; older notation c.3306dupC).
Protein change: p.Val1103fs; shifts the reading frame from valine 1103.
Molecular consequence: frameshift variant. On other transcripts: intron variant (8).
Genome position (GRCh38, 1-based): chr16:23,607,908, G duplicated on the plus strand (C on the coding strand, the reverse complement: PALB2 is on the minus strand). VCF-style (leftmost placement, unchanged base first): chr16-23607907-C-CG. GRCh37 (hg19) VCF-style: chr16-23619228-C-CG.
Other names: c.3246dup, p.Val1083fs (NM_001407296.1); c.3234dup, p.Val1079fs (NM_001407297.1); c.3144dup, p.Val1049fs (NM_001407298.1); c.3027dup, p.Val1010fs (NM_001407300.1); c.2421dup, p.Val808fs (NM_001407304.1, NM_001407305.1, NM_001407306.1); c.2259dup, p.Val754fs (NM_001407307.1); c.1518dup, p.Val507fs (NM_001407312.1); c.840dup, p.Val281fs (NM_001407314.1); and 7 more; short protein forms V1083fs, V754fs, V1079fs, V281fs, V507fs, V1010fs, V1049fs, V808fs.
Identifiers: ClinVar variation 4825305 (VCV004825305.1).
Genomic context (GRCh38, chr16:23,607,907, plus strand): 5'-CAGTTATGCACACTTGCCTGCCAGCCTGCCCTGGAGGAAGACAGTACAGCATCACACCCA[C>CG]GCTGAGAGTCGTCTTAGGGTTAATCACAATGAGCTGAAACACAGGGCTTCGCAACGACTC-3'